The following is an entry in ClinVar:

ClinVar aggregate classification (germline): Pathogenic (1 of 4 stars; one submission).

Conditions:
Emery-Dreifuss muscular dystrophy 4, autosomal dominant (EDMD4). Also called: EMERY-DREIFUSS MUSCULAR DYSTROPHY 4 WITH VARIABLE FEATURES. Identifiers: Orphanet 261, MedGen C2751807, MONDO:0013071, OMIM 612998.
Autosomal recessive ataxia, Beauce type. Also called: Spinocerebellar ataxia, autosomal recessive 8; ATAXIA, RECESSIVE, OF BEAUCE; SYNE1 Deficiency; SYNE1-Related Autosomal Recessive Cerebellar Ataxia. Identifiers: Orphanet 88644, MedGen C1853116, MONDO:0012549, OMIM 610743.

Submission:

Labcorp Genetics (formerly Invitae), Labcorp
Classification: Pathogenic for Emery-Dreifuss muscular dystrophy 4, autosomal dominant; Autosomal recessive ataxia, Beauce type. Last evaluated: 2021-06-30. Review status: criteria provided, single submitter. Criteria: Invitae Variant Classification Sherloc (09022015). Collection method: clinical testing. Allele origin: germline.
Comment: This variant has not been reported in the literature in individuals affected with SYNE1-related conditions. This sequence change creates a premature translational stop signal (p.Ser2133Profs*10) in the SYNE1 gene. It is expected to result in an absent or disrupted protein product. Loss-of-function variants in SYNE1 are known to be pathogenic (PMID: 19542096, 24319099, 27086870). This variant is not present in population databases (ExAC no frequency). For these reasons, this variant has been classified as Pathogenic.

Literature cited by the submitters: PubMed 19542096; PubMed 24319099; PubMed 27086870.

NM_182961.4(SYNE1):c.6376del (p.Ser2126fs)

Gene: SYNE1 (spectrin repeat containing nuclear envelope protein 1; minus strand). Cytogenetic location: 6q25.2.
Variant type: Deletion.
Coding change: c.6376del on transcript NM_182961.4 (MANE Select); coding-DNA position 6376, one base deleted (T; older notation c.6376delT).
Protein change: p.Ser2126fs; shifts the reading frame from serine 2126.
Molecular consequence: frameshift variant.
Genome position (GRCh38, 1-based): chr6:152,409,564, A deleted on the plus strand (T on the coding strand, the reverse complement: SYNE1 is on the minus strand); the first of 5 consecutive A bases (chr6:152,409,564-152,409,568); deleting any one gives the same sequence. VCF-style (leftmost placement, unchanged base first): chr6-152409563-GA-G. GRCh37 (hg19) VCF-style: chr6-152730698-GA-G.
Other names: c.6397del, p.Ser2133fs (NM_033071.5); short protein forms S2126fs, S2133fs.
Identifiers: ClinVar variation 1453127 (VCV001453127.6), dbSNP rs2154170060, ClinGen allele CA2573140684.